The following is an entry in ClinVar:

NM_001182.5(ALDH7A1):c.1211G>A (p.Arg404His)

Gene: ALDH7A1 (aldehyde dehydrogenase 7 family member A1; minus strand). Cytogenetic location: 5q23.2.
Variant type: single nucleotide variant.
Coding change: c.1211G>A on transcript NM_001182.5 (MANE Select); coding-DNA position 1211, G replaced by A.
Protein change: p.Arg404His; replaces arginine 404 with histidine.
Molecular consequence: missense variant.
Genome position (GRCh38, 1-based): chr5:126,552,127, C>T on the plus strand (G>A on the coding strand, the complement: ALDH7A1 is on the minus strand). VCF-style: chr5-126552127-C-T. GRCh37 (hg19) VCF-style: chr5-125887819-C-T.
Other names: c.1127G>A, p.Arg376His (NM_001201377.2); c.1019G>A, p.Arg340His (NM_001202404.2); c.1211G>A (NM_001182.4); short protein forms R340H, R404H, R376H.
Identifiers: ClinVar variation 1376299 (VCV001376299.4), dbSNP rs771975420, ClinGen allele CA3389481.

ClinVar aggregate classification (germline): Uncertain significance. Review status: criteria provided, multiple submitters, no conflicts (2 of 4 stars). 2 submissions from 2 submitters: Uncertain significance (2). Last evaluated 2023-10-17.

Conditions:
Pyridoxine-dependent epilepsy (EPEO4). Also called: Pyridoxine-Dependent Epilepsy - ALDH7A1; PYRIDOXINE DEPENDENCY WITH SEIZURES; EPILEPSY, EARLY-ONSET, 4, VITAMIN B6-DEPENDENT; Pyridoxine-Dependent Seizures. Identifiers: Orphanet 3006, MedGen C1849508, MONDO:0009945, OMIM 266100. Disease mechanism: loss of function.
Inborn genetic diseases. Identifiers: MedGen C0950123, MeSH D030342.

Allele frequency attached by ClinVar (database versions not stated): ExAC 0.00002; gnomAD 0.00001; gnomAD exomes 0.00001 and below 0.00001; TOPMed 0.00002.
gnomAD v4.1: 6 of 1,613,118 alleles (0.00037%); highest among the groups gnomAD compares: African/African-American, 0.0027%; no homozygotes.

Submissions (2):

Ambry Genetics
Classification: Uncertain significance for Inborn genetic diseases. Last evaluated: 2023-10-17. Review status: criteria provided, single submitter. Criteria: Ambry Variant Classification Scheme 2023. Collection method: clinical testing. Allele origin: germline.

Labcorp Genetics (formerly Invitae), Labcorp
Classification: Uncertain significance for Pyridoxine-dependent epilepsy. Last evaluated: 2022-07-05. Review status: criteria provided, single submitter. Criteria: Invitae Variant Classification Sherloc (09022015). Collection method: clinical testing. Allele origin: germline.
Comment: This sequence change replaces arginine, which is basic and polar, with histidine, which is basic and polar, at codon 404 of the ALDH7A1 protein (p.Arg404His). This variant is present in population databases (rs771975420, gnomAD 0.007%). This variant has not been reported in the literature in individuals affected with ALDH7A1-related conditions. ClinVar contains an entry for this variant (Variation ID: 1376299). Advanced modeling of protein sequence and biophysical properties (such as structural, functional, and spatial information, amino acid conservation, physicochemical variation, residue mobility, and thermodynamic stability) performed at Invitae indicates that this missense variant is not expected to disrupt ALDH7A1 protein function. In summary, the available evidence is currently insufficient to determine the role of this variant in disease. Therefore, it has been classified as a Variant of Uncertain Significance.